The following is an entry in ClinVar:

ClinVar aggregate classification (germline): Pathogenic (1 of 4 stars; one submission).

Conditions:
Neurofibromatosis, type 1 (NF1). Also called: Peripheral type neurofibromatosis; Neurofibromatosis, type I; VON RECKLINGHAUSEN DISEASE; NEUROFIBROMATOSIS, TYPE I, SOMATIC. Identifiers: Orphanet 636, MedGen C0027831, MONDO:0018975, OMIM 162200. Disease mechanism: loss of function.

Submission:

Labcorp Genetics (formerly Invitae), Labcorp
Classification: Pathogenic for Neurofibromatosis, type 1. Last evaluated: 2019-07-20. Review status: criteria provided, single submitter. Criteria: Invitae Variant Classification Sherloc (09022015). Collection method: clinical testing. Allele origin: germline.
Comment: For these reasons, this variant has been classified as Pathogenic. Loss-of-function variants in NF1 are known to be pathogenic (PMID: 10712197, 23913538). This variant has not been reported in the literature in individuals with NF1-related conditions. This variant is not present in population databases (ExAC no frequency). This sequence change creates a premature translational stop signal (p.Ser807Alafs*14) in the NF1 gene. It is expected to result in an absent or disrupted protein product.

Literature cited by the submitters: PubMed 10712197; PubMed 23913538.

NM_001042492.3(NF1):c.2419del (p.Ser807fs)

Gene: NF1 (neurofibromin 1; plus strand). Cytogenetic location: 17q11.2.
Variant type: Deletion.
Coding change: c.2419del on transcript NM_001042492.3 (MANE Select); coding-DNA position 2419, one base deleted (A; older notation c.2419delA).
Protein change: p.Ser807fs; shifts the reading frame from serine 807.
Molecular consequence: frameshift variant.
Genome position (GRCh38, 1-based): chr17:31,229,034, A deleted; the last of 3 consecutive A bases (chr17:31,229,032-31,229,034); deleting any one gives the same sequence. VCF-style (leftmost placement, unchanged base first): chr17-31229031-GA-G. GRCh37 (hg19) VCF-style: chr17-29556049-GA-G.
Other names: c.2419delA, p.Ser807Alafs (NM_000267.4); short protein forms S807fs.
Identifiers: ClinVar variation 947640 (VCV000947640.6), dbSNP rs2067064355, ClinGen allele CA1139665430.
Genomic context (GRCh38, chr17:31,229,031, plus strand): 5'-AGTCTCAACTAATTAAGGTTTAATTCATGCTTTGCACAAAAATTTTGTGTTTAGGCTGCT[GA>G]AAGCCTTCACAAGACCATTGTTAAGAGGCGAATGTCCCATGTGAGTGGAGGAGGATCCAT-3'